The following is an entry in ClinVar:

ClinVar aggregate classification (germline): Uncertain significance (1 of 4 stars; one submission).

gnomAD v4.1: 9 of 1,603,086 alleles (0.00056%); highest among the groups gnomAD compares: East Asian, 0.011%; no homozygotes.

Submission:

Labcorp Genetics (formerly Invitae), Labcorp
Classification: Uncertain significance. Last evaluated: 2024-07-12. Review status: criteria provided, single submitter. Criteria: Invitae Variant Classification Sherloc (09022015). Collection method: clinical testing. Allele origin: germline.
Comment: This sequence change affects codon 565 of the APPL1 mRNA. It is a 'silent' change, meaning that it does not change the encoded amino acid sequence of the APPL1 protein. This variant also falls at the last nucleotide of exon 18, which is part of the consensus splice site for this exon. This variant is present in population databases (rs780307990, gnomAD 0.03%). This variant has not been reported in the literature in individuals affected with APPL1-related conditions. Variants that disrupt the consensus splice site are a relatively common cause of aberrant splicing (PMID: 17576681, 9536098). Algorithms developed to predict the effect of sequence changes on RNA splicing suggest that this variant may disrupt the consensus splice site. In summary, the available evidence is currently insufficient to determine the role of this variant in disease. Therefore, it has been classified as a Variant of Uncertain Significance.

Literature cited by the submitters: PubMed 17576681; PubMed 9536098.

NM_012096.3(APPL1):c.1695G>A (p.Thr565=)

Gene: APPL1 (adaptor protein, phosphotyrosine interacting with PH domain and leucine zipper 1; plus strand). Cytogenetic location: 3p14.3.
Variant type: single nucleotide variant.
Coding change: c.1695G>A on transcript NM_012096.3 (MANE Select); coding-DNA position 1695, G replaced by A.
Protein change: p.Thr565=; no amino-acid change (threonine 565 retained).
Molecular consequence: synonymous variant.
Genome position (GRCh38, 1-based): chr3:57,260,153, G>A. VCF-style: chr3-57260153-G-A. GRCh37 (hg19) VCF-style: chr3-57294181-G-A.
Identifiers: ClinVar variation 3611335 (VCV003611335.2).
Genomic context (GRCh38, chr3:57,260,153, plus strand): 5'-CCAATTTTTAAATTATTATTTTAGGTTAATTGATCCACAGACACAAGTTACAAGGCTCAC[G>A]GTGAGTTCCACATGATTTAAGCTTTGTTTTAGGTCCCTTTGTATATATACACATCTTACA-3'
Protein context (NP_036228.1, residues 555-575): IDPQTQVTRL[Thr565=]FPLPCVVLYA